The following is an entry in ClinVar:

NM_212482.4(FN1):c.548-6C>T

Gene: FN1 (fibronectin 1; minus strand). Cytogenetic location: 2q35.
Variant type: single nucleotide variant.
Coding change: c.548-6C>T on transcript NM_212482.4 (MANE Select); 6 bases into the intron before coding-DNA position 548, C replaced by T.
Molecular consequence: intron variant.
Genome position (GRCh38, 1-based): chr2:215,430,858, G>A on the plus strand (C>T on the coding strand, the complement: FN1 is on the minus strand). VCF-style: chr2-215430858-G-A. GRCh37 (hg19) VCF-style: chr2-216295581-G-A.
Other names: c.548-6C>T (NM_212474.3, NM_001306132.2, NM_001365523.2 and 14 more transcripts).
Identifiers: ClinVar variation 1624280 (VCV001624280.31), dbSNP rs368867430, ClinGen allele CA2095520.

ClinVar aggregate classification (germline): Likely benign. Review status: criteria provided, multiple submitters, no conflicts (2 of 4 stars). 2 submissions from 2 submitters: Likely benign (2). Last evaluated 2024-05-23.

Allele frequency attached by ClinVar (database versions not stated): gnomAD exomes 0.00001 and 0.00002; ExAC 0.00002; gnomAD 0.00002; ESP Exome Variant Server 0.00015; TOPMed 0.00003.
gnomAD v4.1: 13 of 1,613,760 alleles (0.00081%); highest among the groups gnomAD compares: Non-Finnish European, 0.001%; no homozygotes.

Submissions (2):

Labcorp Genetics (formerly Invitae), Labcorp
Classification: Likely benign. Last evaluated: 2024-05-23. Review status: criteria provided, single submitter. Criteria: Invitae Variant Classification Sherloc (09022015). Collection method: clinical testing. Allele origin: germline.

CeGaT Center for Human Genetics Tuebingen
Classification: Likely benign. Last evaluated: 2023-10-01. Review status: criteria provided, single submitter. Criteria: CeGaT Center For Human Genetics Tuebingen Variant Classification Criteria Version 2. Collection method: clinical testing. Allele origin: germline. Affected: yes. Observed: 1 variant allele.
Comment: FN1: BP4